The following is an entry in ClinVar:

ClinVar aggregate classification (germline): Uncertain significance (1 of 4 stars; one submission).

Conditions:
Hereditary cancer-predisposing syndrome. Also called: Neoplastic Syndromes, Hereditary; Tumor predisposition; Hereditary Cancer Syndrome; Hereditary neoplastic syndrome. Identifiers: Orphanet 140162, MedGen C0027672, MeSH D009386, MONDO:0015356.

Submission:

Ambry Genetics
Classification: Uncertain significance for Hereditary cancer-predisposing syndrome. Last evaluated: 2022-04-25. Review status: criteria provided, single submitter. Criteria: Ambry Variant Classification Scheme 2023. Collection method: clinical testing. Allele origin: germline.
Comment: The c.1599A>T variant (also known as p.P533P) is located in coding exon 4 of the MET gene. This variant results from an A to T substitution at nucleotide position 1599. This nucleotide substitution does not change the proline at codon 533.This nucleotide position is poorly conserved in available vertebrate species. In silico splice site analysis for this alteration is inconclusive. However, loss of function of MET has not been clearly established as a mechanism of disease. Since supporting evidence is limited at this time, the clinical significance of this alteration remains unclear.

NM_000245.4(MET):c.1599A>T (p.Pro533=)

Gene: MET (MET proto-oncogene, receptor tyrosine kinase; plus strand). Cytogenetic location: 7q31.2.
Variant type: single nucleotide variant.
Coding change: c.1599A>T on transcript NM_000245.4 (MANE Select); coding-DNA position 1599, A replaced by T.
Protein change: p.Pro533=; no amino-acid change (proline 533 retained).
Molecular consequence: synonymous variant.
Genome position (GRCh38, 1-based): chr7:116,740,923, A>T. VCF-style: chr7-116740923-A-T. GRCh37 (hg19) VCF-style: chr7-116380977-A-T.
Other names: c.1599A>T, p.Pro533= (NM_001127500.3, NM_001324401.3); c.309A>T, p.Pro103= (NM_001324402.2).
Identifiers: ClinVar variation 1776053 (VCV001776053.2), dbSNP rs1318611404, ClinGen allele CA457215590.